The following is an entry in ClinVar:

ClinVar aggregate classification (germline): Benign. Review status: criteria provided, multiple submitters, no conflicts (2 of 4 stars). 7 submissions from 7 submitters: Benign (5). 2 of the submissions do not count toward it. Last evaluated 2026-02-01.

Conditions:
Autosomal recessive ataxia due to ubiquinone deficiency. Also called: Coenzyme Q10 deficiency, primary, 4; SPINOCEREBELLAR ATAXIA, AUTOSOMAL RECESSIVE 9. Identifiers: Orphanet 139485, MedGen C2677589, MONDO:0012784, OMIM 612016.

Allele frequency attached by ClinVar (database versions not stated): 1000 Genomes Project 0.00419; 1000 Genomes Project 30x 0.00453; gnomAD exomes 0.01152 and 0.02120; TOPMed 0.01205; ExAC 0.01214; gnomAD 0.01235 and 0.01280; ESP Exome Variant Server 0.01615.
gnomAD v4.1: 32,729 of 1,613,806 alleles (2%); highest among the groups gnomAD compares: Non-Finnish European, 2.5%; 397 homozygotes.

Submissions (7):

Labcorp Genetics (formerly Invitae), Labcorp
Classification: Benign. Last evaluated: 2026-02-01. Review status: criteria provided, single submitter. Criteria: Invitae Variant Classification Sherloc (09022015). Collection method: clinical testing. Allele origin: germline.

Athena Diagnostics
Classification: Benign. Last evaluated: 2024-07-05. Review status: criteria provided, single submitter. Criteria: Athena Diagnostics Criteria. Collection method: clinical testing. Allele origin: unknown.

Illumina Laboratory Services, Illumina
Classification: Benign for Autosomal recessive ataxia due to ubiquinone deficiency. Last evaluated: 2018-01-12. Review status: criteria provided, single submitter. Criteria: ICSL Variant Classification Criteria 13 December 2019. Collection method: clinical testing. Allele origin: germline.
Comment: This variant was observed in the ICSL laboratory as part of a predisposition screen in an ostensibly healthy population. It had not been previously curated by ICSL or reported in the Human Gene Mutation Database (HGMD: prior to June 1st, 2018), and was therefore a candidate for classification through an automated scoring system. Utilizing variant allele frequency, disease prevalence and penetrance estimates, and inheritance mode, an automated score was calculated to assess if this variant is too frequent to cause the disease. Based on the score and internal cut-off values, a variant classified as benign is not then subjected to further curation. The score for this variant resulted in a classification of benign for this disease.

Clinical Genetics DNA and cytogenetics Diagnostics Lab, Erasmus MC, Erasmus Medical Center
Classification: Benign for Autosomal recessive ataxia due to ubiquinone deficiency. Last evaluated: 2015-09-21. Review status: criteria provided, single submitter. Criteria: ACGS Guidelines, 2013. Collection method: clinical testing. Allele origin: germline. Affected: yes. Study: VKGL Data-share Consensus.

GeneDx
Classification: Benign. Last evaluated: 2013-01-10. Review status: criteria provided, single submitter. Criteria: GeneDx Variant Classification (06012015). Collection method: clinical testing. Allele origin: germline. Affected: yes.
Comment: This variant is considered likely benign or benign based on one or more of the following criteria: it is a conservative change, it occurs at a poorly conserved position in the protein, it is predicted to be benign by multiple in silico algorithms, and/or has population frequency not consistent with disease.

Mayo Clinic Laboratories, Mayo Clinic
Classification: Benign. Last evaluated: 2016-02-26. Review status: no assertion criteria provided. Collection method: clinical testing. Allele origin: unknown. Not counted in ClinVar's aggregate classification.

Clinical Genetics, Academic Medical Center
Classification: Benign. Review status: no assertion criteria provided. Collection method: clinical testing. Allele origin: germline. Affected: yes. Study: VKGL Data-share Consensus. Not counted in ClinVar's aggregate classification.

NM_020247.5(COQ8A):c.63G>A (p.Ala21=)

Gene: COQ8A (coenzyme Q8A; plus strand). Cytogenetic location: 1q42.13.
Variant type: single nucleotide variant.
Coding change: c.63G>A on transcript NM_020247.5 (MANE Select); coding-DNA position 63, G replaced by A.
Protein change: p.Ala21=; no amino-acid change (alanine 21 retained).
Molecular consequence: synonymous variant.
Genome position (GRCh38, 1-based): chr1:226,961,448, G>A. VCF-style: chr1-226961448-G-A. GRCh37 (hg19) VCF-style: chr1-227149149-G-A.
Other names: p.A21A:GCG>GCA.
Identifiers: ClinVar variation 136294 (VCV000136294.23), dbSNP rs11549709, ClinGen allele CA289294.